The following is an entry in ClinVar:

ClinVar aggregate classification (germline): Uncertain significance (1 of 4 stars; one submission).

Conditions:
Cardiovascular phenotype. Identifiers: MedGen CN230736.

gnomAD v4.1: 4 of 1,614,080 alleles (0.00025%); highest among the groups gnomAD compares: African/African-American, 0.0053%; no homozygotes.

Submission:

Ambry Genetics
Classification: Uncertain significance for Cardiovascular phenotype. Last evaluated: 2021-09-07. Review status: criteria provided, single submitter. Criteria: Ambry Variant Classification Scheme 2023. Collection method: clinical testing. Allele origin: germline.
Comment: The p.R301G variant (also known as c.901C>G), located in coding exon 3 of the APOA5 gene, results from a C to G substitution at nucleotide position 901. The arginine at codon 301 is replaced by glycine, an amino acid with dissimilar properties. This amino acid position is conserved. In addition, this alteration is predicted to be tolerated by in silico analysis. Since supporting evidence is limited at this time, the clinical significance of this alteration remains unclear.

NM_001371904.1(APOA5):c.901C>G (p.Arg301Gly)

Gene: APOA5 (apolipoprotein A5; minus strand). Cytogenetic location: 11q23.3.
Variant type: single nucleotide variant.
Coding change: c.901C>G on transcript NM_001371904.1 (MANE Select); coding-DNA position 901, C replaced by G.
Protein change: p.Arg301Gly; replaces arginine 301 with glycine.
Molecular consequence: missense variant.
Genome position (GRCh38, 1-based): chr11:116,790,328, G>C on the plus strand (C>G on the coding strand, the complement: APOA5 is on the minus strand). VCF-style: chr11-116790328-G-C. GRCh37 (hg19) VCF-style: chr11-116661044-G-C.
Other names: c.901C>G, p.Arg301Gly (NM_001166598.2, NM_052968.5); short protein forms R301G.
Identifiers: ClinVar variation 1765495 (VCV001765495.2), dbSNP rs898806853, ClinGen allele CA382735135.
Genomic context (GRCh38, chr11:116,790,328, plus strand): 5'-GGCCTGGTGGAGGTGGCGCCAGCTGCTGCTGGACCTCCTCAGTCTCCTGGTCGATGGCGC[G>C]AGTGAAGGCAGCTATCTGCAGGTAGGTGTCCTGGCGGAAAGCCTGAAGTCGCTGGCGCAC-3'
Protein context (NP_001358833.1, residues 291-311): DTYLQIAAFT[Arg301Gly]AIDQETEEVQ